The following is an entry in ClinVar:

NM_020911.2(PLXNA4):c.4022C>T (p.Pro1341Leu)

Gene: PLXNA4 (plexin A4; minus strand). Cytogenetic location: 7q32.3.
Variant type: single nucleotide variant.
Coding change: c.4022C>T on transcript NM_020911.2 (MANE Select); coding-DNA position 4022, C replaced by T.
Protein change: p.Pro1341Leu; replaces proline 1341 with leucine.
Molecular consequence: missense variant.
Genome position (GRCh38, 1-based): chr7:132,168,568, G>A on the plus strand (C>T on the coding strand, the complement: PLXNA4 is on the minus strand). VCF-style: chr7-132168568-G-A. GRCh37 (hg19) VCF-style: chr7-131853327-G-A.
Other names: c.4022C>T, p.Pro1341Leu (NM_001393897.1); short protein forms P1341L.
Identifiers: ClinVar variation 2635944 (VCV002635944.4), dbSNP rs374466534, ClinGen allele CA4489292.

ClinVar aggregate classification (germline): Uncertain significance (1 of 4 stars; one submission).

Conditions:
PLXNA4-related disorder. Also called: PLXNA4-related condition.

Allele frequency attached by ClinVar (database versions not stated): ExAC 0.00002; gnomAD 0.00002; TOPMed 0.00002; ESP Exome Variant Server 0.00008.
gnomAD v4.1: 18 of 1,576,956 alleles (0.0011%); highest among the groups gnomAD compares: African/African-American, 0.004%; no homozygotes.

Submission:

PreventionGenetics, part of Exact Sciences
Classification: Uncertain significance for PLXNA4-related condition. Last evaluated: 2026-02-09. Review status: criteria provided, single submitter. Criteria: ACMG Guidelines, 2015. Collection method: clinical testing. Allele origin: germline.
Comment: The PLXNA4 c.4022C>T variant is predicted to result in the amino acid substitution p.Pro1341Leu. To our knowledge, this variant has not been reported in the literature. This variant is reported in 0.0021% of alleles in individuals of European (Non-Finnish) descent in gnomAD. At this time, the clinical significance of this variant is uncertain due to the absence of conclusive functional and genetic evidence.